The following is an entry in ClinVar:

ClinVar aggregate classification (germline): Uncertain significance (1 of 4 stars; one submission).

Conditions:
Inborn genetic diseases. Identifiers: MedGen C0950123, MeSH D030342.

Submission:

Ambry Genetics
Classification: Uncertain significance for Inborn genetic diseases. Last evaluated: 2025-11-18. Review status: criteria provided, single submitter. Criteria: Ambry Variant Classification Scheme 2023. Collection method: clinical testing. Allele origin: germline.
Comment: The p.L231V variant (also known as c.691C>G), located in coding exon 8 of the ASXL1 gene, results from a C to G substitution at nucleotide position 691. The leucine at codon 231 is replaced by valine, an amino acid with highly similar properties. This amino acid position is conserved. In addition, this alteration is predicted to be tolerated by in silico analysis. Based on the available evidence, the clinical significance of this variant remains unclear.

NM_015338.6(ASXL1):c.691C>G (p.Leu231Val)

Gene: ASXL1 (ASXL transcriptional regulator 1; plus strand). Cytogenetic location: 20q11.21.
Variant type: single nucleotide variant.
Coding change: c.691C>G on transcript NM_015338.6 (MANE Select); coding-DNA position 691, C replaced by G.
Protein change: p.Leu231Val; replaces leucine 231 with valine.
Molecular consequence: missense variant. On other transcripts: intron variant (1).
Genome position (GRCh38, 1-based): chr20:32,430,026, C>G. VCF-style: chr20-32430026-C-G. GRCh37 (hg19) VCF-style: chr20-31017829-C-G.
Other names: c.535+595C>G (NM_001363734.1); short protein forms L231V.
Identifiers: ClinVar variation 4588661 (VCV004588661.1).